The following is an entry in ClinVar:

NM_000283.4(PDE6B):c.71G>C (p.Gly24Ala)

Gene: PDE6B (phosphodiesterase 6B; plus strand). Cytogenetic location: 4p16.3.
Variant type: single nucleotide variant.
Coding change: c.71G>C on transcript NM_000283.4 (MANE Select); coding-DNA position 71, G replaced by C.
Protein change: p.Gly24Ala; replaces glycine 24 with alanine.
Molecular consequence: missense variant.
Genome position (GRCh38, 1-based): chr4:625,697, G>C. VCF-style: chr4-625697-G-C. GRCh37 (hg19) VCF-style: chr4-619486-G-C.
Other names: c.71G>C, p.Gly24Ala (NM_001145291.2); short protein forms G24A.
Identifiers: ClinVar variation 954082 (VCV000954082.8), dbSNP rs1339216331, ClinGen allele CA355906072.

ClinVar aggregate classification (germline): Uncertain significance. Review status: criteria provided, multiple submitters, no conflicts (2 of 4 stars). 2 submissions from 2 submitters: Uncertain significance (2). Last evaluated 2022-04-11.

Allele frequency attached by ClinVar (database versions not stated): gnomAD 0.00001; TOPMed 0.00002.
gnomAD v4.1: 3 of 1,613,838 alleles (0.00019%); highest among the groups gnomAD compares: African/African-American, 0.0027%; no homozygotes.

Submissions (2):

Blueprint Genetics
Classification: Uncertain significance. Last evaluated: 2022-04-11. Review status: criteria provided, single submitter. Criteria: ACMG Guidelines, 2015. Collection method: clinical testing. Allele origin: germline.

Labcorp Genetics (formerly Invitae), Labcorp
Classification: Uncertain significance. Last evaluated: 2022-01-12. Review status: criteria provided, single submitter. Criteria: Invitae Variant Classification Sherloc (09022015). Collection method: clinical testing. Allele origin: germline.
Comment: This sequence change replaces glycine, which is neutral and non-polar, with alanine, which is neutral and non-polar, at codon 24 of the PDE6B protein (p.Gly24Ala). This variant is not present in population databases (gnomAD no frequency). This variant has not been reported in the literature in individuals affected with PDE6B-related conditions. ClinVar contains an entry for this variant (Variation ID: 954082). Algorithms developed to predict the effect of missense changes on protein structure and function (SIFT, PolyPhen-2, Align-GVGD) all suggest that this variant is likely to be tolerated. In summary, the available evidence is currently insufficient to determine the role of this variant in disease. Therefore, it has been classified as a Variant of Uncertain Significance.